The following is an entry in ClinVar:

NM_001164508.2(NEB):c.4547del (p.Tyr1516fs)

Gene: NEB (nebulin; minus strand). Cytogenetic location: 2q23.3.
Variant type: Deletion.
Coding change: c.4547del on transcript NM_001164508.2 (MANE Select); coding-DNA position 4547, one base deleted (A; older notation c.4547delA).
Protein change: p.Tyr1516fs; shifts the reading frame from tyrosine 1516.
Molecular consequence: frameshift variant.
Genome position (GRCh38, 1-based): chr2:151,669,091, T deleted on the plus strand (A on the coding strand, the reverse complement: NEB is on the minus strand). VCF-style (leftmost placement, unchanged base first): chr2-151669090-AT-A. GRCh37 (hg19) VCF-style: chr2-152525604-AT-A.
Other names: c.4547del, p.Tyr1516fs (NM_001164507.2, NM_001271208.2, NM_004543.5); short protein forms Y1516fs.
Identifiers: ClinVar variation 5012949 (VCV005012949.1).
Genomic context (GRCh38, chr2:151,669,090, plus strand): 5'-ACTCATGTTGAGGGCGTTGACTTTGGCTTGAATAAACTGAGGCAATTCAGGGTCAATAGT[AT>A]ACTTGTGCTTCAGTTTCTCTCCCTCTACCTTGTAGTTCAACTAAAAACAAAGGAGACAGC-3'

ClinVar aggregate classification (germline): Pathogenic (1 of 4 stars; one submission).

Conditions:
Nemaline myopathy 2 (NEM2). Also called: Nemaline myopathy 2, autosomal recessive. Identifiers: MedGen C1850569, MONDO:0009725, OMIM 256030.

Submission:

Myriad Genetics, Inc.
Classification: Pathogenic for Nemaline myopathy 2. Last evaluated: 2024-04-24. Review status: criteria provided, single submitter. Criteria: Myriad Autosomal Dominant, Autosomal Recessive and X-Linked Classification Criteria (2023). Collection method: clinical testing. Allele origin: unknown.
Comment: NM_001271208.1(NEB):c.4547delA(Y1516Lfs*20) is expected to be pathogenic in the context of NEB-related nemaline myopathy. This variant is predicted to lead to an abnormal or absent protein product due to the creation of a premature termination codon in NEB, a gene where loss-of-function variants are known to be pathogenic. Please note: this variant was assessed in the context of healthy population screening.